The following is an entry in ClinVar:

ClinVar aggregate classification (germline): Uncertain significance (1 of 4 stars; one submission).

Conditions:
SLC32A1-related epilepsy.

Submission:

University of Washington Department of Laboratory Medicine, University of Washington
Classification: Uncertain significance for SLC32A1-related epilepsy. Last evaluated: 2023-05-03. Review status: criteria provided, single submitter. Criteria: ACMG Guidelines, 2015. Collection method: clinical testing. Allele origin: unknown. Affected: yes.
Comment: The p.Arg181Ser variant in the SLC32A1 gene has not been previously reported in association with disease and was absent from large population databases, including the Genome Aggregation Database. In silico tools do not consistently predict if the p.Arg181Ser variant impacts protein function; however, these predictions have not been tested directly. Using ACMG guidelines, this variant was classified as a variant of uncertain significance (ACMG evidence codes used: PM2_supporting).

NM_080552.3(SLC32A1):c.541C>A (p.Arg181Ser)

Gene: SLC32A1 (solute carrier family 32 member 1; plus strand). Cytogenetic location: 20q11.23.
Variant type: single nucleotide variant.
Coding change: c.541C>A on transcript NM_080552.3 (MANE Select); coding-DNA position 541, C replaced by A.
Protein change: p.Arg181Ser; replaces arginine 181 with serine.
Molecular consequence: missense variant.
Genome position (GRCh38, 1-based): chr20:38,727,602, C>A. VCF-style: chr20-38727602-C-A. GRCh37 (hg19) VCF-style: chr20-37356245-C-A.
Other names: c.541C>A (NM_080552.2); short protein forms R181S.
Identifiers: ClinVar variation 3777140 (VCV003777140.1).